The following is an entry in ClinVar:

NC_000023.11:g.38401274GT[1]

Gene: OTC (ornithine transcarbamylase; plus strand). Cytogenetic location: Xp11.4.
Variant type: Microsatellite.
Genome position: GRCh38 VCF-style: chrX-38401273-AGT-A. GRCh37 (hg19) VCF-style: chrX-38260526-AGT-A.
Identifiers: ClinVar variation 4724760 (VCV004724760.1).

ClinVar aggregate classification (germline): Pathogenic (1 of 4 stars; one submission).

Conditions:
Ornithine carbamoyltransferase deficiency (OTCD). Also called: ORNITHINE TRANSCARBAMYLASE DEFICIENCY; ORNITHINE TRANSCARBAMYLASE DEFICIENCY, HYPERAMMONEMIA DUE TO; OTC DEFICIENCY; Ornithine Carbamoyltransferase Deficiency Disease. Identifiers: Orphanet 664, MedGen C0268542, MONDO:0010703, OMIM 311250.

Submission:

Labcorp Genetics (formerly Invitae), Labcorp
Classification: Pathogenic for Ornithine carbamoyltransferase deficiency. Last evaluated: 2025-08-03. Review status: criteria provided, single submitter. Criteria: Invitae Variant Classification Sherloc (09022015). Collection method: clinical testing. Allele origin: germline.
Comment: This sequence change creates a premature translational stop signal (p.Val130Ilefs*3) in the OTC gene. It is expected to result in an absent or disrupted protein product. Loss-of-function variants in OTC are known to be pathogenic (PMID: 10946359, 16786505). This variant is not present in population databases (gnomAD no frequency). This variant has not been reported in the literature in individuals affected with OTC-related conditions. Algorithms developed to predict the effect of sequence changes on RNA splicing suggest that this variant may disrupt the consensus splice site. For these reasons, this variant has been classified as Pathogenic.

Literature cited by the submitters: PubMed 10946359; PubMed 16786505.